The following is an entry in ClinVar:

ClinVar aggregate classification (germline): Pathogenic/Likely pathogenic. Review status: criteria provided, multiple submitters, no conflicts (2 of 4 stars). 7 submissions from 6 submitters: Pathogenic (4); Likely pathogenic (2). 1 of the submissions does not count toward it. Last evaluated 2026-05-19.

Conditions:
Polyglandular autoimmune syndrome, type 1 (APS1). Also called: Autoimmune polyendocrine syndrome type 1; Autoimmune polyendocrinopathy syndrome , type I, with or without reversible metaphyseal dysplasia; HYPOADRENOCORTICISM WITH HYPOPARATHYROIDISM AND SUPERFICIAL MONILIASIS; PGA I; AUTOIMMUNE POLYENDOCRINE SYNDROME, TYPE I, WITH OR WITHOUT REVERSIBLE METAPHYSEAL DYSPLASIA; APS I. Identifiers: Orphanet 3453, MedGen C0085859, MONDO:0009411, OMIM 240300.
Chronic granulomatous disease. Identifiers: Orphanet 379, MedGen C0018203, MONDO:0018305.
Granulomatous disease, chronic, autosomal recessive, cytochrome b-negative. Also called: CYBA DEFICIENCY; GRANULOMATOUS DISEASE, CHRONIC, AUTOSOMAL RECESSIVE, 4; Chronic granulomatous disease, autosomal, due to deficiency of CYBA; CGD DUE TO DEFICIENCY OF THE ALPHA SUBUNIT OF CYTOCHROME b; CGD, AUTOSOMAL RECESSIVE CYTOCHROME b-NEGATIVE. Identifiers: Orphanet 379, MedGen C1856255, MONDO:0009308, OMIM 233690.

Allele frequency attached by ClinVar (database versions not stated): ExAC below 0.00001; gnomAD exomes 0.00001; TOPMed 0.00002; gnomAD 0.00003.
gnomAD v4.1: 17 of 1,532,412 alleles (0.0011%); highest among the groups gnomAD compares: Middle Eastern, 0.023%; no homozygotes.

Submissions (7):

Molecular Diagnostic Laboratory, Beijing Chigene Translational Medicine Research Center
Classification: Pathogenic for Granulomatous disease, chronic, autosomal recessive, cytochrome b-negative. Last evaluated: 2026-05-19. Review status: criteria provided, single submitter. Criteria: ACMG Guidelines, 2015. Collection method: clinical testing. Allele origin: germline. Inheritance: Autosomal recessive inheritance. Affected: yes. Observed: 1 variant allele, 1 compound heterozygote.
Comment: The variant c.371C>T causes substitution of alanine, a neutral nonpolar amino acid, with valine at position 124 of the CYBA protein. Multiple bioinformatics prediction tools indicate that this variant exerts damaging effects on protein function, and it presents an extremely low allele frequency in population databases such as gnomAD. This variant has been repeatedly identified in numerous patients with chronic granulomatous disease (PMID: 10914676, 22924696, 23910690, 28941186, 30470980, 35140711). Functional studies have verified that it can downregulate CYBA gene expression. Given its strong correlation with the pathogenesis of chronic granulomatous disease and sufficient available evidence supporting its pathogenicity, this variant is classified as pathogenic.

Natera, Inc.
Classification: Likely pathogenic for Chronic granulomatous disease. Last evaluated: 2025-12-30. Review status: criteria provided, single submitter. Criteria: Natera Variant Classification Schema (03/2026). Collection method: clinical testing. Allele origin: germline.
Comment: The c.371C>T variant in CYBA is a missense variant predicted to cause substitution of alanine to valine at amino acid 124. This variant is rare in the general population with a frequency below the threshold expected for the associated phenotype(s). This variant has been observed in one or more individuals affected with the associated recessive disease, as either homozygous or compound heterozygous with a second variant (PMID: 35140711, 3271264, 30470980). Functional studies show that this variant may disrupt protein function (PMID: 36606663). Computational prediction algorithms indicate this variant is likely to affect gene or protein function. Given the available evidence, this variant is classified as Likely Pathogenic.

Women's Health and Genetics/Laboratory Corporation of America, LabCorp
Classification: Pathogenic for Chronic granulomatous disease. Last evaluated: 2024-03-25. Review status: criteria provided, single submitter. Criteria: LabCorp Variant Classification Summary - May 2015. Collection method: clinical testing. Allele origin: germline.
Comment: Variant summary: CYBA c.371C>T (p.Ala124Val), located near a canonical splice site, results in a non-conservative amino acid change in the encoded protein sequence. Five of five in-silico tools predict a damaging effect of the variant on protein function. Consensus agreement among computation tools predict no significant impact on normal splicing. However, these predictions have yet to be confirmed by functional studies. The variant allele was found at a frequency of 7.7e-06 in 129404 control chromosomes (gnomAD). c.371C>T has been reported in the literature in multiple individuals affected with Chronic Granulomatous Disease (e.g. Ishibashi_2000, Jakobsen_2012, Koker_2013, Kulkarni_2018, Chiu_2021). These data indicate that the variant is very likely to be associated with disease. The following publications have been ascertained in the context of this evaluation (PMID: 35140711, 10914676, 22924696, 23910690, 30470980). ClinVar contains an entry for this variant (Variation ID: 68212). Based on the evidence outlined above, the variant was classified as pathogenic.

Women's Health and Genetics/Laboratory Corporation of America, LabCorp
Classification: Pathogenic for Polyglandular autoimmune syndrome, type 1. Last evaluated: 2024-03-25. Review status: criteria provided, single submitter. Criteria: LabCorp Variant Classification Summary - May 2015. Collection method: clinical testing. Allele origin: germline.
Comment: Variant summary: AIRE c.371C>T (p.Pro124Leu) results in a non-conservative amino acid change in the encoded protein sequence. Four of five in-silico tools predict a benign effect of the variant on protein function. The variant allele was found at a frequency of 0.00026 in 246854 control chromosomes (gnomAD). This frequency is not significantly higher than expected for a pathogenic variant in AIRE causing Autoimmune Polyglandular Syndrome Type 1 (0.00026 vs 0.0028), allowing no conclusion about variant significance. c.371C>T has been reported in the literature in individuals affected with Autoimmune Polyglandular Syndrome Type 1 (Zheng_2020, Ruan_2021), however, these reports do not provide unequivocal conclusions about association of the variant with Autoimmune Polyglandular Syndrome Type 1. To our knowledge, no experimental evidence demonstrating an impact on protein function has been reported. Two ClinVar submitters have assessed the variant since 2014: one classified the variant as uncertain significance and one as likely benign. Based on the evidence outlined above, the variant was classified as uncertain significance.

Fulgent Genetics
Classification: Pathogenic for Granulomatous disease, chronic, autosomal recessive, cytochrome b-negative. Last evaluated: 2024-03-22. Review status: criteria provided, single submitter. Criteria: ACMG Guidelines, 2015. Collection method: clinical testing. Allele origin: germline.

Labcorp Genetics (formerly Invitae), Labcorp
Classification: Likely pathogenic for Granulomatous disease, chronic, autosomal recessive, cytochrome b-negative. Last evaluated: 2024-01-03. Review status: criteria provided, single submitter. Criteria: Invitae Variant Classification Sherloc (09022015). Collection method: clinical testing. Allele origin: germline.
Comment: This sequence change replaces alanine, which is neutral and non-polar, with valine, which is neutral and non-polar, at codon 124 of the CYBA protein (p.Ala124Val). The frequency data for this variant in the population databases is considered unreliable, as metrics indicate poor data quality at this position in the gnomAD database. This missense change has been observed in individuals with chronic granulomatous disease (PMID: 10914676, 30470980, 35140711). ClinVar contains an entry for this variant (Variation ID: 68212). An algorithm developed to predict the effect of missense changes on protein structure and function (PolyPhen-2) suggests that this variant is likely to be tolerated. Studies have shown that this missense change alters CYBA gene expression (PMID: 28941186, 36606663). This variant disrupts the p.Ala124 amino acid residue in CYBA. Other variant(s) that disrupt this residue have been observed in individuals with CYBA-related conditions (PMID: 18546332, 30470980), which suggests that this may be a clinically significant amino acid residue. In summary, the currently available evidence indicates that the variant is pathogenic, but additional data are needed to prove that conclusively. Therefore, this variant has been classified as Likely Pathogenic.

UniProtKB/Swiss-Prot
No classification provided. Review status: no classification provided. Collection method: not provided. Allele origin: not provided. Not counted in ClinVar's aggregate classification.

Literature cited by the submitters: PubMed 10914676 (cited by 3 submitters); PubMed 22924696 (cited by Molecular Diagnostic Laboratory, Beijing Chigene Translational Medicine Research Center and Women's Health and Genetics/Laboratory Corporation of America, LabCorp); PubMed 23910690 (cited by Molecular Diagnostic Laboratory, Beijing Chigene Translational Medicine Research Center and Women's Health and Genetics/Laboratory Corporation of America, LabCorp); PubMed 28941186 (cited by Molecular Diagnostic Laboratory, Beijing Chigene Translational Medicine Research Center and Labcorp Genetics (formerly Invitae), Labcorp); PubMed 30470980 (cited by 4 submitters); PubMed 35140711 (cited by 4 submitters); PubMed 36606663 (cited by 3 submitters); PubMed 3271264 (cited by Natera, Inc.); PubMed 18546332 (cited by Labcorp Genetics (formerly Invitae), Labcorp).

NM_000101.4(CYBA):c.371C>T (p.Ala124Val)

Gene: CYBA (cytochrome b-245 alpha chain; minus strand). Cytogenetic location: 16q24.2.
Variant type: single nucleotide variant.
Coding change: c.371C>T on transcript NM_000101.4 (MANE Select); coding-DNA position 371, C replaced by T.
Protein change: p.Ala124Val; replaces alanine 124 with valine.
Molecular consequence: missense variant.
Genome position (GRCh38, 1-based): chr16:88,643,570, G>A on the plus strand (C>T on the coding strand, the complement: CYBA is on the minus strand). VCF-style: chr16-88643570-G-A. GRCh37 (hg19) VCF-style: chr16-88709978-G-A.
Other names: c.371C>T (NM_000101.3, LRG_52t1); short protein forms A124V.
Identifiers: ClinVar variation 68212 (VCV000068212.11), dbSNP rs179363894, ClinGen allele CA219178.
Genomic context (GRCh38, chr16:88,643,570, plus strand): 5'-ATCTGCGGCCGCTCCCGGGGCTTGGGCTCGATGGGCGTCCACTGCTCGCCACGCACAGCC[G>A]CCTGCGGGGCACTGAAGGGTTGAGCCGCGCCCCAGCGCCCGCCCTCCCTCCCTCCCTCCC-3'
Protein context (NP_000092.2, residues 114-134): LAIASGIYLL[Ala124Val]AVRGEQWTPI